The following is an entry in ClinVar:

ClinVar aggregate classification (germline): Uncertain significance (1 of 4 stars; one submission).

Conditions:
Hematuria, benign familial, 2 (BFH2). Identifiers: MedGen C5830421, MONDO:0958186, OMIM 620320.
Alport syndrome 3b, autosomal recessive. Identifiers: MedGen C5882699, MONDO:0957811, OMIM 620536.
Autosomal dominant Alport syndrome (ATS3A). Also called: Alport syndrome dominant type; Renal failure and sensorineural hearing loss; ALPORT SYNDROME 3A, AUTOSOMAL DOMINANT. Identifiers: Orphanet 63, Orphanet 88918, MedGen C5882663, MONDO:0007086, OMIM 104200.

Submission:

Juno Genomics, Hangzhou Juno Genomics, Inc
Classification: Uncertain significance for Autosomal dominant Alport syndrome; Alport syndrome 3b, autosomal recessive; Hematuria, benign familial, 2. Review status: criteria provided, single submitter. Criteria: ACMG Guidelines, 2015. Collection method: clinical testing. Allele origin: germline. Affected: yes.
Comment: Absent from controls (or at extremely low frequency if recessive) in Genome Aggregation Database, Exome Sequencing Project, 1000 Genomes Project, or Exome Aggregation Consortium.;Multiple lines of computational evidence support a deleterious effect on the gene or gene product (conservation, evolutionary, splicing impact, etc).

NM_000091.5(COL4A3):c.3733G>C (p.Gly1245Arg)

Genes: MFF-DT (MFF divergent transcript; minus strand), COL4A3 (collagen type IV alpha 3 chain; plus strand). Cytogenetic location: 2q36.3.
Variant type: single nucleotide variant.
Coding change: c.3733G>C on transcript NM_000091.5 (MANE Select); coding-DNA position 3733, G replaced by C.
Protein change: p.Gly1245Arg; replaces glycine 1245 with arginine.
Molecular consequence: missense variant.
Genome position (GRCh38, 1-based): chr2:227,297,841, G>C. VCF-style: chr2-227297841-G-C. GRCh37 (hg19) VCF-style: chr2-228162557-G-C.
Other names: short protein forms G1245R.
Identifiers: ClinVar variation 3382193 (VCV003382193.2).
Genomic context (GRCh38, chr2:227,297,841, plus strand): 5'-GGGCCACCAGGTCTGCCCGGTGCAATTATCCCTGGCCAGACAGGAAATCGTGGTCCACCA[G>C]GCTCAAGAGGAAGCCCAGGTAAAGGGTTTACTTTTAAACAGCATAAAATAACAAAAATCA-3'
Protein context (NP_000082.2, residues 1235-1255): PGQTGNRGPP[Gly1245Arg]SRGSPGAPGP